The following is an entry in ClinVar:

NM_018993.4(RIN2):c.1998G>A (p.Ser666=)

Gene: RIN2 (Ras and Rab interactor 2; plus strand). Cytogenetic location: 20p11.23.
Variant type: single nucleotide variant.
Coding change: c.1998G>A on transcript NM_018993.4 (MANE Select); coding-DNA position 1998, G replaced by A.
Protein change: p.Ser666=; no amino-acid change (serine 666 retained).
Molecular consequence: synonymous variant.
Genome position (GRCh38, 1-based): chr20:19,990,241, G>A. VCF-style: chr20-19990241-G-A. GRCh37 (hg19) VCF-style: chr20-19970885-G-A.
Other names: c.2145G>A (NM_001242581.1); c.2145G>A, p.Ser715= (NM_001242581.2); c.1380G>A, p.Ser460= (NM_001378238.1).
Identifiers: ClinVar variation 2973753 (VCV002973753.5), dbSNP rs1338774803, ClinGen allele CA510157623.
Genomic context (GRCh38, chr20:19,990,241, plus strand): 5'-TGATTTTGTGGATGTGGAGAAAATCAAAGTCAAGTTCATGACCATGCAGAAGATGTATTC[G>A]CCGGAAAAGAAGGTCATGCTGCTGCTGCGGGTCTGCAAGCTCATTTACACGGTCATGGAG-3'
Protein context (NP_061866.1, residues 656-676): VKFMTMQKMY[Ser666=]PEKKVMLLLR

ClinVar aggregate classification (germline): Likely benign. Review status: criteria provided, single submitter (1 of 4 stars). 2 submissions from 2 submitters: Likely benign (1). 1 of the submissions does not count toward it. Last evaluated 2022-11-23.

Conditions:
RIN2-related disorder. Also called: RIN2-related condition.

Allele frequency attached by ClinVar (database versions not stated): TOPMed 0.00001; gnomAD 0.00002.
gnomAD v4.1: 29 of 1,613,292 alleles (0.0018%); highest among the groups gnomAD compares: Non-Finnish European, 0.0023%; no homozygotes.

Submissions (2):

Labcorp Genetics (formerly Invitae), Labcorp
Classification: Likely benign. Last evaluated: 2022-11-23. Review status: criteria provided, single submitter. Criteria: Invitae Variant Classification Sherloc (09022015). Collection method: clinical testing. Allele origin: germline.

PreventionGenetics, part of Exact Sciences
Classification: Likely benign for RIN2-related condition. Last evaluated: 2023-05-19. Review status: no assertion criteria provided. Collection method: clinical testing. Allele origin: germline. Not counted in ClinVar's aggregate classification.
Comment: This variant is classified as likely benign based on ACMG/AMP sequence variant interpretation guidelines (Richards et al. 2015 PMID: 25741868, with internal and published modifications).